The following is an entry in ClinVar:

ClinVar aggregate classification (germline): Conflicting classifications of pathogenicity. Review status: criteria provided, conflicting classifications (1 of 4 stars). 8 submissions from 8 submitters: Uncertain significance (1); Benign (4); Likely benign (2). 1 of the submissions does not count toward it. Last evaluated 2026-04-06.

Conditions:
Autoinflammatory syndrome. Identifiers: Orphanet 93665, MedGen C3890737, MONDO:0019751.
STING1-related disorder. Also called: STING1-related condition.
Inborn genetic diseases. Identifiers: MedGen C0950123, MeSH D030342.
STING-associated vasculopathy with onset in infancy. Also called: Sting-associated vasculopathy, infantile-onset. Identifiers: Orphanet 425120, MedGen C4014722, MONDO:0014405, OMIM 615934.

Allele frequency attached by ClinVar (database versions not stated): gnomAD exomes 0.00125; ExAC 0.00137; gnomAD 0.00349 and 0.00363; TOPMed 0.00388; ESP Exome Variant Server 0.00423; 1000 Genomes Project 0.00479; 1000 Genomes Project 30x 0.00547.
gnomAD v4.1: 1,429 of 1,614,230 alleles (0.089%); highest among the groups gnomAD compares: African/African-American, 1.2%; 16 homozygotes.

Submissions (8):

Women's Health and Genetics/Laboratory Corporation of America, LabCorp
Classification: Likely benign. Last evaluated: 2026-04-06. Review status: criteria provided, single submitter. Criteria: LabCorp Variant Classification Summary - May 2015. Collection method: clinical testing. Allele origin: germline.

Labcorp Genetics (formerly Invitae), Labcorp
Classification: Benign for STING-associated vasculopathy with onset in infancy. Last evaluated: 2026-02-03. Review status: criteria provided, single submitter. Criteria: Invitae Variant Classification Sherloc (09022015). Collection method: clinical testing. Allele origin: germline.

Ambry Genetics
Classification: Uncertain significance for Inborn genetic diseases. Last evaluated: 2025-08-01. Review status: criteria provided, single submitter. Criteria: Ambry Variant Classification Scheme 2023. Collection method: clinical testing. Allele origin: germline.

Mayo Clinic Laboratories, Mayo Clinic
Classification: Benign. Last evaluated: 2025-01-07. Review status: criteria provided, single submitter. Criteria: ACMG Guidelines, 2015. Collection method: clinical testing. Allele origin: germline. Observed: 2 variant alleles.
Comment: BS1, BS2, BP4_moderate

Blueprint Genetics
Classification: Likely benign. Last evaluated: 2024-11-26. Review status: criteria provided, single submitter. Criteria: ACMG Guidelines, 2015. Collection method: clinical testing. Allele origin: germline.

CeGaT Center for Human Genetics Tuebingen
Classification: Benign. Last evaluated: 2024-11-01. Review status: criteria provided, single submitter. Criteria: CeGaT Center For Human Genetics Tuebingen Variant Classification Criteria Version 2. Collection method: clinical testing. Allele origin: germline. Affected: yes. Observed: 5 variant alleles.
Comment: STING1: BP4, BS1, BS2

Genome Diagnostics Laboratory, The Hospital for Sick Children
Classification: Benign for Autoinflammatory syndrome. Last evaluated: 2021-04-05. Review status: criteria provided, single submitter. Criteria: ACMG Guidelines, 2015. Collection method: clinical testing. Allele origin: germline. Affected: yes.

PreventionGenetics, part of Exact Sciences
Classification: Benign for STING1-related condition. Last evaluated: 2024-01-29. Review status: no assertion criteria provided. Collection method: clinical testing. Allele origin: germline. Not counted in ClinVar's aggregate classification.
Comment: This variant is classified as benign based on ACMG/AMP sequence variant interpretation guidelines (Richards et al. 2015 PMID: 25741868, with internal and published modifications).

NM_198282.4(STING1):c.376C>A (p.Leu126Ile)

Genes: STING1 (stimulator of interferon response cGAMP interactor 1; minus strand), LOC123522803 (Sharpr-MPRA regulatory region 11914; plus strand). Cytogenetic location: 5q31.2.
Variant type: single nucleotide variant.
Coding change: c.376C>A on transcript NM_198282.4 (MANE Select); coding-DNA position 376, C replaced by A.
Protein change: p.Leu126Ile; replaces leucine 126 with isoleucine.
Molecular consequence: missense variant.
Genome position (GRCh38, 1-based): chr5:139,481,194, G>T on the plus strand (C>A on the coding strand, the complement: STING1 is on the minus strand). VCF-style: chr5-139481194-G-T. GRCh37 (hg19) VCF-style: chr5-138860779-G-T.
Other names: p.Leu126Ile; c.376C>A, p.Leu126Ile (NM_001301738.2, LRG_1308t1); c.19C>A, p.Leu7Ile (NM_001367258.1); c.376C>A (NM_198282.2); short protein forms L126I, L7I.
Identifiers: ClinVar variation 475205 (VCV000475205.44), dbSNP rs142609349, ClinGen allele CA3435433.
Genomic context (GRCh38, chr5:139,481,194, plus strand): 5'-GCTTCTACCTCCCCCTGTGTCATACCTTGAGGCCCAGGAGGATGTTCAGTGCCTGCGAGA[G>T]GCCCAGGAGGGCAAGCATCCAAGTGAAGGGCGGGCCGACCGCATTTGGGAGGGAGTAGTA-3'
Protein context (NP_938023.1, residues 116-136): PFTWMLALLG[Leu126Ile]SQALNILLGL